The following is an entry in ClinVar:

ClinVar aggregate classification (germline): Uncertain significance (1 of 4 stars; one submission).

Submission:

Labcorp Genetics (formerly Invitae), Labcorp
Classification: Uncertain significance. Last evaluated: 2025-08-04. Review status: criteria provided, single submitter. Criteria: Invitae Variant Classification Sherloc (09022015). Collection method: clinical testing. Allele origin: germline.
Comment: This variant, c.4650_4655del, results in the deletion of 2 amino acid(s) of the KMT2E protein (p.Pro1551_Pro1552del), but otherwise preserves the integrity of the reading frame. This variant is present in population databases (rs774512378, gnomAD 0.002%). This variant has not been reported in the literature in individuals affected with KMT2E-related conditions. ClinVar contains an entry for this variant (Variation ID: 2785773). Experimental studies and prediction algorithms are not available or were not evaluated, and the functional significance of this variant is currently unknown. In summary, the available evidence is currently insufficient to determine the role of this variant in disease. Therefore, it has been classified as a Variant of Uncertain Significance.

NM_182931.3(KMT2E):c.4650_4655del (p.Pro1551_Pro1552del)

Gene: KMT2E (lysine methyltransferase 2E (inactive); plus strand). Cytogenetic location: 7q22.3.
Variant type: Deletion.
Coding change: c.4650_4655del on transcript NM_182931.3 (MANE Select); coding-DNA positions 4650 to 4655, 6 bases deleted (ACCTCC; older notation c.4650_4655delACCTCC).
Protein change: p.Pro1551_Pro1552del.
Molecular consequence: inframe deletion.
Genome position (GRCh38, 1-based): chr7:105,112,406-105,112,411, ACCTCC deleted; deleting any 6 consecutive bases within chr7:105,112,401-105,112,411 gives the same sequence; the c. name uses the placement nearest the transcript's 3' end. VCF-style (leftmost placement, unchanged base first): chr7-105112400-TCCTCCA-T. GRCh37 (hg19) VCF-style: chr7-104752847-TCCTCCA-T.
Other names: c.4524_4529del, p.Pro1509_Pro1510del (NM_001410908.1); c.4650_4655del, p.Pro1551_Pro1552del (NM_018682.4).
Identifiers: ClinVar variation 2785773 (VCV002785773.3), dbSNP rs774512378, ClinGen allele CA4424801.